The following is an entry in ClinVar:

ClinVar aggregate classification (germline): Uncertain significance (1 of 4 stars; one submission).

Conditions:
Charcot-Marie-Tooth disease axonal type 2Z. Also called: CHARCOT-MARIE-TOOTH DISEASE, AXONAL, AUTOSOMAL DOMINANT, TYPE 2Z; CHARCOT-MARIE-TOOTH NEUROPATHY, TYPE 2Z. Identifiers: Orphanet 466768, MedGen C5569025, MONDO:0014736, OMIM 616688.

gnomAD v4.1: 48 of 1,613,878 alleles (0.003%); highest among the groups gnomAD compares: Non-Finnish European, 0.0041%; no homozygotes.

Submission:

Labcorp Genetics (formerly Invitae), Labcorp
Classification: Uncertain significance for Charcot-Marie-Tooth disease axonal type 2Z. Last evaluated: 2025-11-04. Review status: criteria provided, single submitter. Criteria: Invitae Variant Classification Sherloc (09022015). Collection method: clinical testing. Allele origin: germline.
Comment: This sequence change replaces arginine, which is basic and polar, with cysteine, which is neutral and slightly polar, at codon 283 of the MORC2 protein (p.Arg283Cys). This variant is not present in population databases (gnomAD no frequency). This variant has not been reported in the literature in individuals affected with MORC2-related conditions. ClinVar contains an entry for this variant (Variation ID: 3704339). Invitae Evidence Modeling of protein sequence and biophysical properties (such as structural, functional, and spatial information, amino acid conservation, physicochemical variation, residue mobility, and thermodynamic stability) indicates that this missense variant is expected to disrupt MORC2 protein function with a positive predictive value of 95%. In summary, the available evidence is currently insufficient to determine the role of this variant in disease. Therefore, it has been classified as a Variant of Uncertain Significance.

NM_001303256.3(MORC2):c.847C>T (p.Arg283Cys)

Gene: MORC2 (MORC family CW-type zinc finger 2; minus strand). Cytogenetic location: 22q12.2.
Variant type: single nucleotide variant.
Coding change: c.847C>T on transcript NM_001303256.3 (MANE Select); coding-DNA position 847, C replaced by T.
Protein change: p.Arg283Cys; replaces arginine 283 with cysteine.
Molecular consequence: missense variant.
Genome position (GRCh38, 1-based): chr22:30,940,815, G>A on the plus strand (C>T on the coding strand, the complement: MORC2 is on the minus strand). VCF-style: chr22-30940815-G-A. GRCh37 (hg19) VCF-style: chr22-31336802-G-A.
Other names: c.847C>T, p.Arg283Cys (NM_001303257.2); c.661C>T, p.Arg221Cys (NM_014941.3); short protein forms R221C, R283C.
Identifiers: ClinVar variation 3704339 (VCV003704339.2).